The following is an entry in ClinVar:

ClinVar aggregate classification (germline): Uncertain significance (1 of 4 stars; one submission).

Submission:

Labcorp Genetics (formerly Invitae), Labcorp
Classification: Uncertain significance. Last evaluated: 2022-06-27. Review status: criteria provided, single submitter. Criteria: Invitae Variant Classification Sherloc (09022015). Collection method: clinical testing. Allele origin: germline.
Comment: This sequence change replaces glutamine, which is neutral and polar, with histidine, which is basic and polar, at codon 729 of the LRP2 protein (p.Gln729His). This variant is not present in population databases (gnomAD no frequency). This variant has not been reported in the literature in individuals affected with LRP2-related conditions. In summary, the available evidence is currently insufficient to determine the role of this variant in disease. Therefore, it has been classified as a Variant of Uncertain Significance. Advanced modeling of protein sequence and biophysical properties (such as structural, functional, and spatial information, amino acid conservation, physicochemical variation, residue mobility, and thermodynamic stability) performed at Invitae indicates that this missense variant is not expected to disrupt LRP2 protein function.

NM_004525.3(LRP2):c.2187G>T (p.Gln729His)

Gene: LRP2 (LDL receptor related protein 2; minus strand). Cytogenetic location: 2q31.1.
Variant type: single nucleotide variant.
Coding change: c.2187G>T on transcript NM_004525.3 (MANE Select); coding-DNA position 2187, G replaced by T.
Protein change: p.Gln729His; replaces glutamine 729 with histidine.
Molecular consequence: missense variant.
Genome position (GRCh38, 1-based): chr2:169,271,037, C>A on the plus strand (G>T on the coding strand, the complement: LRP2 is on the minus strand). VCF-style: chr2-169271037-C-A. GRCh37 (hg19) VCF-style: chr2-170127547-C-A.
Other names: short protein forms Q729H.
Identifiers: ClinVar variation 1401274 (VCV001401274.8), dbSNP rs1683401085, ClinGen allele CA349162592.